The following is an entry in ClinVar:

NM_004287.5(GOSR2):c.524C>A (p.Ser175Tyr)

Genes: GOSR2 (golgi SNAP receptor complex member 2; plus strand), LRRC37A2 (leucine rich repeat containing 37 member A2). Cytogenetic location: 17q21.32.
Variant type: single nucleotide variant.
Coding change: c.524C>A on transcript NM_004287.5 (MANE Select); coding-DNA position 524, C replaced by A.
Protein change: p.Ser175Tyr; replaces serine 175 with tyrosine.
Molecular consequence: missense variant. On other transcripts: non-coding transcript variant (3).
Genome position (GRCh38, 1-based): chr17:46,938,645, C>A. VCF-style: chr17-46938645-C-A. GRCh37 (hg19) VCF-style: chr17-45016011-C-A.
Other names: c.524C>A, p.Ser175Tyr (NM_001321133.2, NM_054022.4); c.329C>A, p.Ser110Tyr (NM_001321134.2); c.383C>A, p.Ser128Tyr (NM_001330252.2); c.521C>A, p.Ser174Tyr (NM_001353114.2); c.380C>A, p.Ser127Tyr (NM_001353115.2, NM_001353116.2); c.470C>A, p.Ser157Tyr (NM_001363851.2); short protein forms S174Y, S128Y, S127Y, S110Y, S157Y, S175Y.
Identifiers: ClinVar variation 1978208 (VCV001978208.4), dbSNP rs1433254906, ClinGen allele CA400019004.

ClinVar aggregate classification (germline): Uncertain significance (1 of 4 stars; one submission).

Conditions:
Progressive myoclonic epilepsy. Also called: Myoclonic Epilepsies, Progressive; Familial progressive myoclonic epilepsy; Progressive myoclonus epilepsy; Myoclonus epilepsy. Identifiers: Orphanet 308, Orphanet 98261, MedGen C0751778, MONDO:0020074.

gnomAD v4.1: 5 of 1,614,086 alleles (0.00031%); highest among the groups gnomAD compares: Non-Finnish European, 0.00025%; no homozygotes.

Submission:

Labcorp Genetics (formerly Invitae), Labcorp
Classification: Uncertain significance for Progressive myoclonic epilepsy. Last evaluated: 2025-01-06. Review status: criteria provided, single submitter. Criteria: Invitae Variant Classification Sherloc (09022015). Collection method: clinical testing. Allele origin: germline.
Comment: This sequence change replaces serine, which is neutral and polar, with tyrosine, which is neutral and polar, at codon 175 of the GOSR2 protein (p.Ser175Tyr). This variant is present in population databases (no rsID available, gnomAD 0.0009%). This variant has not been reported in the literature in individuals affected with GOSR2-related conditions. ClinVar contains an entry for this variant (Variation ID: 1978208). An algorithm developed to predict the effect of missense changes on protein structure and function (PolyPhen-2) suggests that this variant is likely to be disruptive. In summary, the available evidence is currently insufficient to determine the role of this variant in disease. Therefore, it has been classified as a Variant of Uncertain Significance.